The following is an entry in ClinVar:

NM_020702.5(MYORG):c.1658T>C (p.Met553Thr)

Gene: MYORG (myogenesis regulating glycosidase; minus strand). Cytogenetic location: 9p13.3.
Variant type: single nucleotide variant.
Coding change: c.1658T>C on transcript NM_020702.5 (MANE Select); coding-DNA position 1658, T replaced by C.
Protein change: p.Met553Thr; replaces methionine 553 with threonine.
Molecular consequence: missense variant.
Genome position (GRCh38, 1-based): chr9:34,371,286, A>G on the plus strand (T>C on the coding strand, the complement: MYORG is on the minus strand). VCF-style: chr9-34371286-A-G. GRCh37 (hg19) VCF-style: chr9-34371284-A-G.
Other names: short protein forms M553T.
Identifiers: ClinVar variation 1681289 (VCV001681289.6), dbSNP rs760137437, ClinGen allele CA5032868.
Genomic context (GRCh38, chr9:34,371,286, plus strand): 5'-AGCTCGCGCTCGGGCACATCGCCGCCGGCTGTCCGCTGGGGCACGGCGTTGCCGCCCACC[A>G]TATCGGGTAGGATGAATGGGTAGCCCAGCATGCTGACGGTGAGCACCGCGGGGATGAGTG-3'
Protein context (NP_065753.2, residues 543-563): MLGYPFILPD[Met553Thr]VGGNAVPQRT

ClinVar aggregate classification (germline): Uncertain significance (1 of 4 stars; one submission).

Allele frequency attached by ClinVar (database versions not stated): gnomAD exomes below 0.00001 and 0.00001; TOPMed below 0.00001; gnomAD 0.00001; ExAC 0.00002.
gnomAD v4.1: 4 of 1,610,902 alleles (0.00025%); highest among the groups gnomAD compares: African/African-American, 0.0053%; no homozygotes.

Submission:

Labcorp Genetics (formerly Invitae), Labcorp
Classification: Uncertain significance. Last evaluated: 2021-12-03. Review status: criteria provided, single submitter. Criteria: Invitae Variant Classification Sherloc (09022015). Collection method: clinical testing. Allele origin: germline.
Comment: In summary, the available evidence is currently insufficient to determine the role of this variant in disease. Therefore, it has been classified as a Variant of Uncertain Significance. Algorithms developed to predict the effect of missense changes on protein structure and function are either unavailable or do not agree on the potential impact of this missense change (SIFT: "Deleterious"; PolyPhen-2: "Not Available"; Align-GVGD: "Class C25"). This variant has not been reported in the literature in individuals affected with KIAA1161-related conditions. This variant is present in population databases (rs760137437, gnomAD 0.01%). This sequence change replaces methionine, which is neutral and non-polar, with threonine, which is neutral and polar, at codon 553 of the KIAA1161 protein (p.Met553Thr).